The following is an entry in ClinVar:

NM_012330.4(KAT6B):c.3255A>G (p.Glu1085=)

Gene: KAT6B (lysine acetyltransferase 6B; plus strand). Cytogenetic location: 10q22.2.
Variant type: single nucleotide variant.
Coding change: c.3255A>G on transcript NM_012330.4 (MANE Select); coding-DNA position 3255, A replaced by G.
Protein change: p.Glu1085=; no amino-acid change (glutamic acid 1085 retained).
Molecular consequence: synonymous variant.
Genome position (GRCh38, 1-based): chr10:75,022,114, A>G. VCF-style: chr10-75022114-A-G. GRCh37 (hg19) VCF-style: chr10-76781872-A-G.
Other names: c.2706A>G, p.Glu902= (NM_001256468.2, NM_001370138.1); c.2379A>G, p.Glu793= (NM_001256469.2, NM_001370139.1, NM_001370140.1 and 2 more transcripts); c.2217A>G, p.Glu739= (NM_001370132.1); c.1566A>G, p.Glu522= (NM_001370133.1); c.1170A>G, p.Glu390= (NM_001370134.1); c.912A>G, p.Glu304= (NM_001370135.1); c.3255A>G, p.Glu1085= (NM_001370136.1, NM_001370137.1); c.2190A>G, p.Glu730= (NM_001370143.1, NM_001370144.1).
Identifiers: ClinVar variation 1147183 (VCV001147183.21), dbSNP rs933289359, ClinGen allele CA5564768.

ClinVar aggregate classification (germline): Likely benign. Review status: criteria provided, multiple submitters, no conflicts (2 of 4 stars). 5 submissions from 5 submitters: Likely benign (4). 1 of the submissions does not count toward it. Last evaluated 2025-11-03.

Conditions:
Genitopatellar syndrome (GTPTS). Also called: Genitopatellar syndrome (GPS); ABSENT PATELLAE, SCROTAL HYPOPLASIA, RENAL ANOMALIES, FACIAL DYSMORPHISM, AND MENTAL RETARDATION. Identifiers: Orphanet 85201, MedGen C1853566, MONDO:0011640, OMIM 606170.
KAT6B-related disorder. Also called: KAT6B-related disorders; KAT6B-related condition.

Allele frequency attached by ClinVar (database versions not stated): gnomAD 0.00009 and 0.00010; ExAC 0.00011; gnomAD exomes 0.00011; TOPMed 0.00015.
gnomAD v4.1: 146 of 1,601,542 alleles (0.0091%); highest among the groups gnomAD compares: Middle Eastern, 0.18%; 1 homozygote.

Submissions (5):

Labcorp Genetics (formerly Invitae), Labcorp
Classification: Likely benign for Genitopatellar syndrome. Last evaluated: 2025-11-03. Review status: criteria provided, single submitter. Criteria: Invitae Variant Classification Sherloc (09022015). Collection method: clinical testing. Allele origin: germline.

CeGaT Center for Human Genetics Tuebingen
Classification: Likely benign. Last evaluated: 2025-03-01. Review status: criteria provided, single submitter. Criteria: CeGaT Center For Human Genetics Tuebingen Variant Classification Criteria Version 2. Collection method: clinical testing. Allele origin: germline. Affected: yes. Observed: 1 variant allele.
Comment: KAT6B: BP4, BP7

Blueprint Genetics
Classification: Likely benign. Last evaluated: 2024-10-31. Review status: criteria provided, single submitter. Criteria: ACMG Guidelines, 2015. Collection method: clinical testing. Allele origin: germline.

GeneDx
Classification: Likely benign. Last evaluated: 2021-02-03. Review status: criteria provided, single submitter. Criteria: GeneDx Variant Classification Process June 2021. Collection method: clinical testing. Allele origin: germline. Affected: yes.

PreventionGenetics, part of Exact Sciences
Classification: Likely benign for KAT6B-related condition. Last evaluated: 2019-07-26. Review status: no assertion criteria provided. Collection method: clinical testing. Allele origin: germline. Not counted in ClinVar's aggregate classification.
Comment: This variant is classified as likely benign based on ACMG/AMP sequence variant interpretation guidelines (Richards et al. 2015 PMID: 25741868, with internal and published modifications).